The following is an entry in ClinVar:

NM_001032283.3(TMPO):c.565+1584G>A

Gene: TMPO (thymopoietin; plus strand). Cytogenetic location: 12q23.1.
Variant type: single nucleotide variant.
Coding change: c.565+1584G>A on transcript NM_001032283.3 (MANE Select); 1584 bases into the intron after coding-DNA position 565, G replaced by A.
Molecular consequence: intron variant. On other transcripts: missense variant (1).
Genome position (GRCh38, 1-based): chr12:98,533,422, G>A. VCF-style: chr12-98533422-G-A. GRCh37 (hg19) VCF-style: chr12-98927200-G-A.
Other names: c.1165G>A, p.Gly389Arg (NM_003276.2); c.565+1584G>A (NM_001307975.2, NM_001032284.3); short protein forms G389R.
Identifiers: ClinVar variation 1509365 (VCV001509365.8), dbSNP rs147002330, ClinGen allele CA6732373.

ClinVar aggregate classification (germline): Conflicting classifications of pathogenicity. Review status: criteria provided, conflicting classifications (1 of 4 stars). 3 submissions from 3 submitters: Uncertain significance (2); Likely benign (1). Last evaluated 2025-12-19.

Conditions:
Loeys-Dietz syndrome 2 (LDS2). Also called: TGFBR2-Related Loeys-Dietz Syndrome; Marfan Syndrome type 2; Marfan like connective tissue disorder; MFS 2; Marfan syndrome, type 2 (formerly); AORTIC ANEURYSM, FAMILIAL THORACIC 3. Identifiers: Orphanet 284973, Orphanet 558, MedGen C2674574, MONDO:0012427, OMIM 610168.
TMPO-related disorder. Also called: TMPO-related condition.

gnomAD v4.1: 54 of 1,614,042 alleles (0.0033%); highest among the groups gnomAD compares: South Asian, 0.014%; no homozygotes.

Submissions (3):

Labcorp Genetics (formerly Invitae), Labcorp
Classification: Uncertain significance for Loeys-Dietz syndrome 2. Last evaluated: 2025-12-19. Review status: criteria provided, single submitter. Criteria: Invitae Variant Classification Sherloc (09022015). Collection method: clinical testing. Allele origin: germline.
Comment: This sequence change replaces glycine, which is neutral and non-polar, with arginine, which is basic and polar, at codon 389 of the TMPO protein (p.Gly389Arg). This variant is present in population databases (rs147002330, gnomAD 0.03%). This variant has not been reported in the literature in individuals affected with TMPO-related conditions. ClinVar contains an entry for this variant (Variation ID: 1509365). Invitae Evidence Modeling of protein sequence and biophysical properties (such as structural, functional, and spatial information, amino acid conservation, physicochemical variation, residue mobility, and thermodynamic stability) indicates that this missense variant is not expected to disrupt TMPO protein function with a negative predictive value of 80%. In summary, the available evidence is currently insufficient to determine the role of this variant in disease. Therefore, it has been classified as a Variant of Uncertain Significance.

Ambry Genetics
Classification: Likely benign. Last evaluated: 2025-11-19. Review status: criteria provided, single submitter. Criteria: Ambry Variant Classification Scheme 2023. Collection method: clinical testing. Allele origin: germline.

PreventionGenetics, part of Exact Sciences
Classification: Uncertain significance for TMPO-related condition. Last evaluated: 2022-10-26. Review status: criteria provided, single submitter. Criteria: ACMG Guidelines, 2015. Collection method: clinical testing. Allele origin: germline.
Comment: The TMPO c.1165G>A variant is predicted to result in the amino acid substitution p.Gly389Arg. This variant was reported as uncertain significance in a cohort study of left ventricular noncompaction (Table S2, Richard et al. 2019. PubMed ID: 30471092). This variant is reported in 0.029% of alleles in individuals of South Asian descent in gnomAD. At this time, the clinical significance of this variant is uncertain due to the absence of conclusive functional and genetic evidence.